The following is an entry in ClinVar:

ClinVar aggregate classification (germline): Uncertain significance (1 of 4 stars; one submission).

Submission:

GeneDx
Classification: Uncertain significance. Last evaluated: 2021-05-07. Review status: criteria provided, single submitter. Criteria: GeneDx Variant Classification Process June 2021. Collection method: clinical testing. Allele origin: germline. Affected: yes.
Comment: Not observed in large population cohorts (Lek et al., 2016); In silico analysis supports that this missense variant has a deleterious effect on protein structure/function; Has not been previously published as pathogenic or benign to our knowledge; In-silico analysis, which includes splice predictors and evolutionary conservation, is inconclusive as to whether the variant alters gene splicing. In the absence of RNA/functional studies, the actual effect of this sequence change is unknown.

NM_003611.3(OFD1):c.778C>T (p.Leu260Phe)

Gene: OFD1 (OFD1 centriole and centriolar satellite protein; plus strand). Cytogenetic location: Xp22.2.
Variant type: single nucleotide variant.
Coding change: c.778C>T on transcript NM_003611.3 (MANE Select); coding-DNA position 778, C replaced by T.
Protein change: p.Leu260Phe; replaces leucine 260 with phenylalanine.
Molecular consequence: missense variant.
Genome position (GRCh38, 1-based): chrX:13,746,903, C>T. VCF-style: chrX-13746903-C-T. GRCh37 (hg19) VCF-style: chrX-13765022-C-T.
Other names: c.778C>T, p.Leu260Phe (NM_001330209.2); c.358C>T, p.Leu120Phe (NM_001330210.2); short protein forms L120F, L260F.
Identifiers: ClinVar variation 1320662 (VCV001320662.2), dbSNP rs2146969994, ClinGen allele CA412338098.